The following is an entry in ClinVar:

ClinVar aggregate classification (germline): Uncertain significance. Review status: criteria provided, multiple submitters, no conflicts (2 of 4 stars). 2 submissions from 2 submitters: Uncertain significance (2). Last evaluated 2022-08-08.

Conditions:
Tay-Sachs disease (TSD). Also called: Hexosaminidase A Deficiency; HEXA DEFICIENCY; HEXA Disorders; GM2 gangliosidosis, type 1; Hexosaminidase alpha-subunit deficiency (variant B); Sphingolipidosis, Tay-Sachs. Identifiers: Orphanet 845, MedGen C0039373, MONDO:0010100, OMIM 272800.
Inborn genetic diseases. Identifiers: MedGen C0950123, MeSH D030342.

Allele frequency attached by ClinVar (database versions not stated): TOPMed 0.00001; ExAC 0.00003.
gnomAD v4.1: 11 of 1,613,646 alleles (0.00068%); highest among the groups gnomAD compares: Admixed American, 0.017%; no homozygotes.

Submissions (2):

Ambry Genetics
Classification: Uncertain significance for Inborn genetic diseases. Last evaluated: 2022-08-08. Review status: criteria provided, single submitter. Criteria: Ambry Variant Classification Scheme 2023. Collection method: clinical testing. Allele origin: germline.

Labcorp Genetics (formerly Invitae), Labcorp
Classification: Uncertain significance for Tay-Sachs disease. Last evaluated: 2022-07-23. Review status: criteria provided, single submitter. Criteria: Invitae Variant Classification Sherloc (09022015). Collection method: clinical testing. Allele origin: germline.
Comment: This sequence change replaces glutamic acid, which is acidic and polar, with alanine, which is neutral and non-polar, at codon 299 of the HEXA protein (p.Glu299Ala). This variant is present in population databases (rs778191188, gnomAD 0.03%). This variant has not been reported in the literature in individuals affected with HEXA-related conditions. Algorithms developed to predict the effect of missense changes on protein structure and function (SIFT, PolyPhen-2, Align-GVGD) all suggest that this variant is likely to be tolerated. In summary, the available evidence is currently insufficient to determine the role of this variant in disease. Therefore, it has been classified as a Variant of Uncertain Significance.

NM_000520.6(HEXA):c.896A>C (p.Glu299Ala)

Gene: HEXA (hexosaminidase subunit alpha; minus strand). Cytogenetic location: 15q23.
Variant type: single nucleotide variant.
Coding change: c.896A>C on transcript NM_000520.6 (MANE Select); coding-DNA position 896, A replaced by C.
Protein change: p.Glu299Ala; replaces glutamic acid 299 with alanine.
Molecular consequence: missense variant. On other transcripts: non-coding transcript variant (1).
Genome position (GRCh38, 1-based): chr15:72,349,169, T>G on the plus strand (A>C on the coding strand, the complement: HEXA is on the minus strand). VCF-style: chr15-72349169-T-G. GRCh37 (hg19) VCF-style: chr15-72641510-T-G.
Other names: c.929A>C, p.Glu310Ala (NM_001318825.2); short protein forms E299A, E310A.
Identifiers: ClinVar variation 1895823 (VCV001895823.3), dbSNP rs778191188, ClinGen allele CA7644870.